The following is an entry in ClinVar:

ClinVar aggregate classification (germline): Likely pathogenic. Review status: criteria provided, multiple submitters, no conflicts (2 of 4 stars). 2 submissions from 2 submitters: Likely pathogenic (2). Last evaluated 2025-02-10.

Conditions:
Snijders Blok-Campeau syndrome. Also called: INTELLECTUAL DEVELOPMENTAL DISORDER WITH MACROCEPHALY, SPEECH DELAY, AND DYSMORPHIC FACIES. Identifiers: Orphanet 599082, MedGen C4748701, MONDO:0032600, OMIM 618205.

gnomAD v4.1: 1 of 1,614,024 alleles (0.000062%); highest among the groups gnomAD compares: Non-Finnish European, 0.000085%; no homozygotes.

Submissions (2):

Institute of Immunology and Genetics Kaiserslautern
Classification: Likely pathogenic for Snijders Blok-Campeau syndrome. Last evaluated: 2025-02-10. Review status: criteria provided, single submitter. Criteria: ACMG Guidelines, 2015. Collection method: clinical testing. Allele origin: de novo. Affected: yes.
Comment: ACMG Criteria: PS2, PM_P2, PP3; Variant was found in homozygous state. De novo-status was confirmed via in-house segregation analysis.

Pittsburgh Clinical Genomics Laboratory, University of Pittsburgh Medical Center
Classification: Likely pathogenic for Snijders Blok-Campeau syndrome. Last evaluated: 2023-02-13. Review status: criteria provided, single submitter. Criteria: ACMG Guidelines, 2015. Collection method: clinical testing. Allele origin: germline. Inheritance: Autosomal dominant inheritance. Affected: yes.
Comment: This sequence variant is a single nucleotide substitution (C>T) at coding position 5560 of the CHD3 gene that results in an arginine to tryptophan amino acid change at residue 1854 of the CHD3 protein. The Arg1854 residue falls within a region of the protein that is important for interaction with the pericentrin protein and affects its chromatin remodeling activity. This is a de novo, novel variant that has not been previously reported in variant (ClinVar) or population (gnomAD) databases, to our knowledge. Bioinformatic tools predict that this variant would be damaging, and the Arg1854 residue is highly conserved across the vertebrate species examined. Functiol studies testing the effect of this variant on protein structure or activity have not been performed, to our knowledge. Given the currently available evidence, we consider this variant likely pathogenic. ACMG Criteria: PM2, PP3, PS2

NM_001005273.3(CHD3):c.5383C>T (p.Arg1795Trp)

Gene: CHD3 (chromodomain helicase DNA binding protein 3; plus strand). Cytogenetic location: 17p13.1.
Variant type: single nucleotide variant.
Coding change: c.5383C>T on transcript NM_001005273.3 (MANE Select); coding-DNA position 5383, C replaced by T.
Protein change: p.Arg1795Trp; replaces arginine 1795 with tryptophan.
Molecular consequence: missense variant.
Genome position (GRCh38, 1-based): chr17:7,908,818, C>T. VCF-style: chr17-7908818-C-T. GRCh37 (hg19) VCF-style: chr17-7812136-C-T.
Other names: c.5560C>T, p.Arg1854Trp (NM_001005271.3); c.5281C>T, p.Arg1761Trp (NM_005852.4); short protein forms R1761W, R1795W, R1854W.
Identifiers: ClinVar variation 3376186 (VCV003376186.2).